The following is an entry in ClinVar:

ClinVar aggregate classification (germline): Pathogenic/Likely pathogenic. Review status: criteria provided, multiple submitters, no conflicts (2 of 4 stars). 2 submissions from 2 submitters: Pathogenic (1); Likely pathogenic (1). Last evaluated 2023-11-27.

Conditions:
Early-infantile DEE. Also called: Early infantile epileptic encephalopathy with suppression bursts; Early infantile epileptic encephalopathy; Ohtahara syndrome. Identifiers: Orphanet 1934, MedGen C0393706, MONDO:0800491.
Generalized epilepsy with febrile seizures plus, type 2 (GEFSP2). Also called: GEFS+, TYPE 2. Identifiers: Orphanet 36387, MedGen C1858673, MONDO:0011461, OMIM 604403.

Submissions (2):

Labcorp Genetics (formerly Invitae), Labcorp
Classification: Likely pathogenic for Early-infantile DEE. Last evaluated: 2023-11-27. Review status: criteria provided, single submitter. Criteria: Invitae Variant Classification Sherloc (09022015). Collection method: clinical testing. Allele origin: germline.
Comment: This sequence change replaces glycine, which is neutral and non-polar, with aspartic acid, which is acidic and polar, at codon 1371 of the SCN1A protein (p.Gly1371Asp). This variant is not present in population databases (gnomAD no frequency). This variant has not been reported in the literature in individuals affected with SCN1A-related conditions. ClinVar contains an entry for this variant (Variation ID: 1686144). Advanced modeling of protein sequence and biophysical properties (such as structural, functional, and spatial information, amino acid conservation, physicochemical variation, residue mobility, and thermodynamic stability) performed at Invitae indicates that this missense variant is expected to disrupt SCN1A protein function with a positive predictive value of 95%. This variant disrupts the p.Gly1371 amino acid residue in SCN1A. Other variant(s) that disrupt this residue have been determined to be pathogenic (PMID: 24656210). This suggests that this residue is clinically significant, and that variants that disrupt this residue are likely to be disease-causing. In summary, the currently available evidence indicates that the variant is pathogenic, but additional data are needed to prove that conclusively. Therefore, this variant has been classified as Likely Pathogenic.

Mendelics
Classification: Pathogenic for Generalized epilepsy with febrile seizures plus, type 2. Last evaluated: 2022-05-04. Review status: criteria provided, single submitter. Criteria: Mendelics Assertion Criteria 2019. Collection method: clinical testing. Allele origin: germline.

Literature cited by the submitters: PubMed 24656210 (cited by Labcorp Genetics (formerly Invitae), Labcorp).

NM_001165963.4(SCN1A):c.4112G>A (p.Gly1371Asp)

Genes: SCN1A (sodium voltage-gated channel alpha subunit 1; minus strand), LOC102724058 (uncharacterized LOC102724058; plus strand). Cytogenetic location: 2q24.3.
Variant type: single nucleotide variant.
Coding change: c.4112G>A on transcript NM_001165963.4 (MANE Select); coding-DNA position 4112, G replaced by A.
Protein change: p.Gly1371Asp; replaces glycine 1371 with aspartic acid.
Molecular consequence: missense variant. On other transcripts: non-coding transcript variant (1).
Genome position (GRCh38, 1-based): chr2:166,002,644, C>T on the plus strand (G>A on the coding strand, the complement: SCN1A is on the minus strand). VCF-style: chr2-166002644-C-T. GRCh37 (hg19) VCF-style: chr2-166859154-C-T.
Other names: c.4028G>A, p.Gly1343Asp (NM_001165964.3, NM_001353957.2, NM_001353958.2); c.4112G>A, p.Gly1371Asp (NM_001202435.3, NM_001353948.2); c.4079G>A, p.Gly1360Asp (NM_001353949.2, NM_001353950.2, NM_001353951.2 and 2 more transcripts); c.4076G>A, p.Gly1359Asp (NM_001353954.2, NM_001353955.2); c.4025G>A, p.Gly1342Asp (NM_001353960.2); c.1670G>A, p.Gly557Asp (NM_001353961.2); short protein forms G1342D, G1343D, G1359D, G1360D, G1371D, G557D.
Identifiers: ClinVar variation 1686144 (VCV001686144.4), dbSNP rs865867764, ClinGen allele CA59769781.
Genomic context (GRCh38, chr2:166,002,644, plus strand): 5'-TTCACGTCTTCGATGTCAAACCTGTCACCAGTTGTGGTGTTAATACAGTGGTAGAATTTG[C>T]CAGCAAACAAATTTACGCCCATGATGCTGAAAATTAGCCAGAATATAAGACAAACCAGAA-3'
Protein context (NP_001159435.1, residues 1361-1381): FSIMGVNLFA[Gly1371Asp]KFYHCINTTT